The following is an entry in ClinVar:

ClinVar aggregate classification (germline): Uncertain significance (1 of 4 stars; one submission).

Allele frequency attached by ClinVar (database versions not stated): gnomAD exomes 0.00011; ExAC 0.00012; ESP Exome Variant Server 0.00015.
gnomAD v4.1: 183 of 1,614,138 alleles (0.011%); highest among the groups gnomAD compares: East Asian, 0.089%; no homozygotes.

Submission:

Labcorp Genetics (formerly Invitae), Labcorp
Classification: Uncertain significance. Last evaluated: 2025-10-02. Review status: criteria provided, single submitter. Criteria: Invitae Variant Classification Sherloc (09022015). Collection method: clinical testing. Allele origin: germline.
Comment: This sequence change replaces arginine, which is basic and polar, with histidine, which is basic and polar, at codon 488 of the ATP2B4 protein (p.Arg488His). This variant is present in population databases (rs199754074, gnomAD 0.06%), and has an allele count higher than expected for a pathogenic variant. This variant has not been reported in the literature in individuals affected with ATP2B4-related conditions. ClinVar contains an entry for this variant (Variation ID: 1989519). Invitae Evidence Modeling of protein sequence and biophysical properties (such as structural, functional, and spatial information, amino acid conservation, physicochemical variation, residue mobility, and thermodynamic stability) indicates that this missense variant is not expected to disrupt ATP2B4 protein function with a negative predictive value of 80%. In summary, the available evidence is currently insufficient to determine the role of this variant in disease. Therefore, it has been classified as a Variant of Uncertain Significance.

NM_001684.5(ATP2B4):c.1463G>A (p.Arg488His)

Gene: ATP2B4 (ATPase plasma membrane Ca2+ transporting 4; plus strand). Cytogenetic location: 1q32.1.
Variant type: single nucleotide variant.
Coding change: c.1463G>A on transcript NM_001684.5 (MANE Select); coding-DNA position 1463, G replaced by A.
Protein change: p.Arg488His; replaces arginine 488 with histidine.
Molecular consequence: missense variant.
Genome position (GRCh38, 1-based): chr1:203,708,010, G>A. VCF-style: chr1-203708010-G-A. GRCh37 (hg19) VCF-style: chr1-203677138-G-A.
Other names: c.1463G>A, p.Arg488His (NM_001001396.3, NM_001365783.2, NM_001365784.2); short protein forms R488H.
Identifiers: ClinVar variation 1989519 (VCV001989519.4), dbSNP rs199754074, ClinGen allele CA1341628.